The following is an entry in ClinVar:

NM_006031.6(PCNT):c.8268G>T (p.Glu2756Asp)

Gene: PCNT (pericentrin; plus strand). Cytogenetic location: 21q22.3.
Variant type: single nucleotide variant.
Coding change: c.8268G>T on transcript NM_006031.6 (MANE Select); coding-DNA position 8268, G replaced by T.
Protein change: p.Glu2756Asp; replaces glutamic acid 2756 with aspartic acid.
Molecular consequence: missense variant.
Genome position (GRCh38, 1-based): chr21:46,431,732, G>T. VCF-style: chr21-46431732-G-T. GRCh37 (hg19) VCF-style: chr21-47851646-G-T.
Other names: c.7914G>T, p.Glu2638Asp (NM_001315529.2); short protein forms E2756D, E2638D.
Identifiers: ClinVar variation 897778 (VCV000897778.6), dbSNP rs764010211, ClinGen allele CA10080927.
Genomic context (GRCh38, chr21:46,431,732, plus strand): 5'-GCGGAGCCAGCTCTCTGAGCTCCAGAAGGACCTTGCGGCTGAGAAGAGCCGCACCCTGGA[G>T]CTGTCAGAGGCCTTGCGGCACGAGCGGCTCCTGACCGAGCAGCTGAGCCAGAGGACACAG-3'
Protein context (NP_006022.3, residues 2746-2766): DLAAEKSRTL[Glu2756Asp]LSEALRHERL

ClinVar aggregate classification (germline): Uncertain significance. Review status: criteria provided, multiple submitters, no conflicts (2 of 4 stars). 3 submissions from 3 submitters: Uncertain significance (3). Last evaluated 2025-10-08.

Conditions:
Inborn genetic diseases. Identifiers: MedGen C0950123, MeSH D030342.
PCNT-related disorder. Also called: PCNT-related condition.
Microcephalic osteodysplastic primordial dwarfism type II (MOPD2). Also called: Microcephalic osteodysplastic primordial dwarfism with tooth abnormalities; MOPD II; OSTEODYSPLASTIC PRIMORDIAL DWARFISM, TYPE II. Identifiers: Orphanet 2637, MedGen C0432246, MONDO:0008872, OMIM 210720.

Allele frequency attached by ClinVar (database versions not stated): gnomAD exomes 0.00001 and 0.00004; TOPMed 0.00001; ExAC 0.00004.
gnomAD v4.1: 9 of 1,612,340 alleles (0.00056%); highest among the groups gnomAD compares: East Asian, 0.02%; no homozygotes.

Submissions (3):

PreventionGenetics, part of Exact Sciences
Classification: Uncertain significance for PCNT-related condition. Last evaluated: 2025-10-08. Review status: criteria provided, single submitter. Criteria: ACMG Guidelines, 2015. Collection method: clinical testing. Allele origin: germline.
Comment: The PCNT c.8268G>T variant is predicted to result in the amino acid substitution p.Glu2756Asp. To our knowledge, this variant has not been reported in the literature. This variant is reported in 0.060% of alleles in individuals of East Asian descent in gnomAD. Although we suspect that this variant may be benign, at this time, the clinical significance of this variant is uncertain due to the absence of conclusive functional and genetic evidence.

Ambry Genetics
Classification: Uncertain significance for Inborn genetic diseases. Last evaluated: 2024-03-20. Review status: criteria provided, single submitter. Criteria: Ambry Variant Classification Scheme 2023. Collection method: clinical testing. Allele origin: germline.

Illumina Laboratory Services, Illumina
Classification: Uncertain significance for Microcephalic osteodysplastic primordial dwarfism type II. Last evaluated: 2018-01-12. Review status: criteria provided, single submitter. Criteria: ICSL Variant Classification Criteria 13 December 2019. Collection method: clinical testing. Allele origin: germline.